The following is an entry in ClinVar:

NM_018100.4(EFHC1):c.*1025AT[18]

Gene: EFHC1 (EF-hand domain containing 1; plus strand). Cytogenetic location: 6p12.2.
Variant type: Microsatellite.
Coding change: c.*1025AT[18] on transcript NM_018100.4 (MANE Select); 18 copies in a row of the 2-base unit AT starting at c.*1025; the reference has ten copies in a row; eight copies, 16 bases duplicated.
Molecular consequence: 3 prime UTR variant. On other transcripts: non-coding transcript variant (1).
Genome position (GRCh38, 1-based): chr6:52,493,370-52,493,385, ATATATATATATATAT duplicated; duplicating any 16 consecutive bases within chr6:52,493,366-52,493,385 gives the same sequence; the position shown is the placement nearest the transcript's 3' end. VCF-style (leftmost placement, unchanged base first): chr6-52493365-C-CATATATATATATATAT. GRCh37 (hg19) VCF-style: chr6-52358163-C-CATATATATATATATAT.
Other names: c.*1025AT[18] (NM_001172420.2).
Identifiers: ClinVar variation 2656642 (VCV002656642.24), dbSNP rs59794069, ClinGen allele CA825769453.

ClinVar aggregate classification (germline): Likely benign (1 of 4 stars; one submission).

Submission:

CeGaT Center for Human Genetics Tuebingen
Classification: Likely benign. Last evaluated: 2022-12-01. Review status: criteria provided, single submitter. Criteria: CeGaT Center For Human Genetics Tuebingen Variant Classification Criteria Version 2. Collection method: clinical testing. Allele origin: germline. Affected: yes. Observed: 3 variant alleles.
Comment: EFHC1: BS2